The following is an entry in ClinVar:

NM_005431.2(XRCC2):c.107A>T (p.Asp36Val)

Gene: XRCC2 (X-ray repair cross complementing 2; minus strand). Cytogenetic location: 7q36.1.
Variant type: single nucleotide variant.
Coding change: c.107A>T on transcript NM_005431.2 (MANE Select); coding-DNA position 107, A replaced by T.
Protein change: p.Asp36Val; replaces aspartic acid 36 with valine.
Molecular consequence: missense variant.
Genome position (GRCh38, 1-based): chr7:152,660,715, T>A on the plus strand (A>T on the coding strand, the complement: XRCC2 is on the minus strand). VCF-style: chr7-152660715-T-A. GRCh37 (hg19) VCF-style: chr7-152357800-T-A.
Other names: short protein forms D36V.
Identifiers: ClinVar variation 1785910 (VCV001785910.8), dbSNP rs2098032724, ClinGen allele CA370199420.
Genomic context (GRCh38, chr7:152,660,715, plus strand): 5'-TTTTATAAAGATTTGCATTTATTTATATAAAGGTTGTATTTTTTACCATGCACAGGTGAA[T>A]CTTCATCAGCAAACAGATTTGGTTCTATTTCTTTCAAGGAACTTCTACCTTCAAGTCGGG-3'
Protein context (NP_005422.1, residues 26-46): EIEPNLFADE[Asp36Val]SPVHGDILEF

ClinVar aggregate classification (germline): Uncertain significance. Review status: criteria provided, multiple submitters, no conflicts (2 of 4 stars). 2 submissions from 2 submitters: Uncertain significance (2). Last evaluated 2025-08-25.

Conditions:
Hereditary cancer-predisposing syndrome. Also called: Neoplastic Syndromes, Hereditary; Tumor predisposition; Hereditary Cancer Syndrome; Hereditary neoplastic syndrome. Identifiers: Orphanet 140162, MedGen C0027672, MeSH D009386, MONDO:0015356.

Submissions (2):

Ambry Genetics
Classification: Uncertain significance for Hereditary cancer-predisposing syndrome. Last evaluated: 2025-08-25. Review status: criteria provided, single submitter. Criteria: Ambry Variant Classification Scheme 2023. Collection method: clinical testing. Allele origin: germline.
Comment: The p.D36V variant (also known as c.107A>T), located in coding exon 2 of the XRCC2 gene, results from an A to T substitution at nucleotide position 107. The aspartic acid at codon 36 is replaced by valine, an amino acid with highly dissimilar properties. This amino acid position is conserved. In addition, this alteration is predicted to be tolerated by in silico analysis. Since supporting evidence is limited at this time, the clinical significance of this alteration remains unclear.

Labcorp Genetics (formerly Invitae), Labcorp
Classification: Uncertain significance. Last evaluated: 2022-08-08. Review status: criteria provided, single submitter. Criteria: Invitae Variant Classification Sherloc (09022015). Collection method: clinical testing. Allele origin: germline.
Comment: This sequence change replaces aspartic acid, which is acidic and polar, with valine, which is neutral and non-polar, at codon 36 of the XRCC2 protein (p.Asp36Val). This variant is not present in population databases (gnomAD no frequency). In summary, the available evidence is currently insufficient to determine the role of this variant in disease. Therefore, it has been classified as a Variant of Uncertain Significance. Algorithms developed to predict the effect of missense changes on protein structure and function (SIFT, PolyPhen-2, Align-GVGD) all suggest that this variant is likely to be tolerated. This variant has not been reported in the literature in individuals affected with XRCC2-related conditions.